The following is an entry in ClinVar:

NM_000368.5(TSC1):c.3405A>G (p.Leu1135=)

Gene: TSC1 (TSC complex subunit 1; minus strand). Cytogenetic location: 9q34.13.
Variant type: single nucleotide variant.
Coding change: c.3405A>G on transcript NM_000368.5 (MANE Select); coding-DNA position 3405, A replaced by G.
Protein change: p.Leu1135=; no amino-acid change (leucine 1135 retained).
Molecular consequence: synonymous variant.
Genome position (GRCh38, 1-based): chr9:132,896,325, T>C on the plus strand (A>G on the coding strand, the complement: TSC1 is on the minus strand). VCF-style: chr9-132896325-T-C. GRCh37 (hg19) VCF-style: chr9-135771712-T-C.
Other names: c.3402A>G, p.Leu1134= (NM_001162426.2); c.3252A>G, p.Leu1084= (NM_001162427.2); c.3042A>G, p.Leu1014= (NM_001362177.2).
Identifiers: ClinVar variation 378769 (VCV000378769.21), dbSNP rs568004490, ClinGen allele CA036792.

ClinVar aggregate classification (germline): Benign/Likely benign. Review status: criteria provided, multiple submitters, no conflicts (2 of 4 stars). 9 submissions from 9 submitters: Benign (6); Likely benign (3). Last evaluated 2025-12-30.

Conditions:
Hereditary cancer-predisposing syndrome. Also called: Tumor predisposition; Neoplastic Syndromes, Hereditary; Hereditary neoplastic syndrome; Hereditary Cancer Syndrome. Identifiers: Orphanet 140162, MedGen C0027672, MeSH D009386, MONDO:0015356.
Tuberous sclerosis syndrome (TSC). Also called: Tuberous sclerosis; Tuberous Sclerosis Complex. Identifiers: Orphanet 805, MedGen C0041341, MONDO:0001734.
Tuberous sclerosis 1 (TSC1). Identifiers: Orphanet 805, MedGen C1854465, MONDO:0008612, OMIM 191100.

Allele frequency attached by ClinVar (database versions not stated): gnomAD 0.00001 and 0.00003; TOPMed 0.00002; gnomAD exomes 0.00009 and 0.00017; 1000 Genomes Project 30x 0.00016; 1000 Genomes Project 0.00020; ExAC 0.00020.
gnomAD v4.1: 133 of 1,614,238 alleles (0.0082%); highest among the groups gnomAD compares: South Asian, 0.12%; no homozygotes.

Submissions (9):

Labcorp Genetics (formerly Invitae), Labcorp
Classification: Benign for Tuberous sclerosis 1. Last evaluated: 2025-12-30. Review status: criteria provided, single submitter. Criteria: Invitae Variant Classification Sherloc (09022015). Collection method: clinical testing. Allele origin: germline.

Myriad Genetics, Inc.
Classification: Benign for Tuberous sclerosis 1. Last evaluated: 2025-04-30. Review status: criteria provided, single submitter. Criteria: Myriad Autosomal Dominant, Autosomal Recessive and X-Linked Classification Criteria (2023). Collection method: clinical testing. Allele origin: unknown.
Comment: This variant is considered benign. This variant is a silent/synonymous amino acid change and it is not expected to impact splicing.

Blueprint Genetics
Classification: Likely benign. Last evaluated: 2024-10-08. Review status: criteria provided, single submitter. Criteria: ACMG Guidelines, 2015. Collection method: clinical testing. Allele origin: germline.

KCCC/NGS Laboratory, Kuwait Cancer Control Center
Classification: Benign for Tuberous sclerosis 1. Last evaluated: 2023-07-07. Review status: criteria provided, single submitter. Criteria: ACMG Guidelines, 2015. Collection method: clinical testing. Allele origin: germline. Affected: yes.

Color Diagnostics, LLC DBA Color Health
Classification: Likely benign for Tuberous sclerosis syndrome. Last evaluated: 2022-11-06. Review status: criteria provided, single submitter. Criteria: ACMG Guidelines, 2015. Collection method: clinical testing. Allele origin: germline.

Genome-Nilou Lab
Classification: Benign for Tuberous sclerosis 1. Last evaluated: 2021-11-07. Review status: criteria provided, single submitter. Criteria: ACMG Guidelines, 2015. Collection method: clinical testing. Allele origin: germline. Affected: no.

Sema4
Classification: Benign for Hereditary cancer-predisposing syndrome. Last evaluated: 2020-12-07. Review status: criteria provided, single submitter. Criteria: Sema4 Curation Guidelines. Collection method: curation. Allele origin: germline.

Ambry Genetics
Classification: Likely benign for Hereditary cancer-predisposing syndrome. Last evaluated: 2017-09-29. Review status: criteria provided, single submitter. Criteria: Ambry Variant Classification Scheme 2023. Collection method: clinical testing. Allele origin: germline.

GeneDx
Classification: Benign. Last evaluated: 2015-06-30. Review status: criteria provided, single submitter. Criteria: GeneDx Variant Classification (06012015). Collection method: clinical testing. Allele origin: germline. Affected: yes.
Comment: This variant is considered likely benign or benign based on one or more of the following criteria: it is a conservative change, it occurs at a poorly conserved position in the protein, it is predicted to be benign by multiple in silico algorithms, and/or has population frequency not consistent with disease.